The following is an entry in ClinVar:

ClinVar aggregate classification (germline): Conflicting classifications of pathogenicity. Review status: criteria provided, conflicting classifications (1 of 4 stars). 2 submissions from 2 submitters: Uncertain significance (1); Likely benign (1). Last evaluated 2025-03-01.

Conditions:
Coffin-Siris syndrome 12. Identifiers: MedGen C5444111, MONDO:0025699, OMIM 619325.

gnomAD v4.1: 58 of 1,611,648 alleles (0.0036%); highest among the groups gnomAD compares: Middle Eastern, 0.033%; no homozygotes.

Submissions (2):

CeGaT Center for Human Genetics Tuebingen
Classification: Likely benign. Last evaluated: 2025-03-01. Review status: criteria provided, single submitter. Criteria: CeGaT Center For Human Genetics Tuebingen Variant Classification Criteria Version 2. Collection method: clinical testing. Allele origin: germline. Affected: yes. Observed: 1 variant allele.
Comment: BICRA: BP4

Pittsburgh Clinical Genomics Laboratory, University of Pittsburgh Medical Center
Classification: Uncertain significance for Coffin-Siris syndrome 12. Last evaluated: 2024-06-14. Review status: criteria provided, single submitter. Criteria: ACMG Guidelines, 2015. Collection method: clinical testing. Allele origin: germline. Inheritance: Autosomal dominant inheritance. Affected: yes.
Comment: This sequence variant is a single nucleotide substitution (C>G) at position 3631 of the coding sequence of the BICRA gene that results in a proline to alanine amino acid change at residue 1211 of the BRD4 interacting chromatin remodeling complex associated protein. This variant is absent from ClinVar and has not been observed in individuals affected by a BICRA-related disorder in the published literature, to our knowledge. This variant is present in 58 of 1611648 alleles (0.0036%) in the gnomAD v4.1.0 population dataset. Multiple bioinformatic tools predict that this amino acid change would be neutral, and the Pro1211 residue at this position is moderately conserved across the vertebrate species examined. Studies examining the functiol consequence of this variant have not been published, to our knowledge. At this time, there is insufficient evidence to determine if this variant is pathogenic or benign. Therefore, we consider this a variant of uncertain significance. ACMG Criteria: BP1, BP4, PM2

NM_001394372.1(BICRA):c.3631C>G (p.Pro1211Ala)

Gene: BICRA (BRD4 interacting chromatin remodeling complex associated protein; plus strand). Cytogenetic location: 19q13.33.
Variant type: single nucleotide variant.
Coding change: c.3631C>G on transcript NM_001394372.1 (MANE Select); coding-DNA position 3631, C replaced by G.
Protein change: p.Pro1211Ala; replaces proline 1211 with alanine.
Molecular consequence: missense variant.
Genome position (GRCh38, 1-based): chr19:47,701,363, C>G. VCF-style: chr19-47701363-C-G. GRCh37 (hg19) VCF-style: chr19-48204620-C-G.
Other names: c.3631C>G, p.Pro1211Ala (NM_015711.3); short protein forms P1211A.
Identifiers: ClinVar variation 3376264 (VCV003376264.8).
Genomic context (GRCh38, chr19:47,701,363, plus strand): 5'-GGTTTTCTTTGCCCCGATTCTGCAGACGAGTACGTGTCTTCCTCCCGCTCGCTCGGCCTC[C>G]CCATCGCAGCCTCTTCCGAGGGTCATCGGCTTCCCGGCCACGGCCCCCTGTCGTCTTCAG-3'
Protein context (NP_001381301.1, residues 1201-1221): YVSSSRSLGL[Pro1211Ala]IAASSEGHRL